The following is an entry in ClinVar:

ClinVar aggregate classification (germline): Uncertain significance (1 of 4 stars; one submission).

gnomAD v4.1: 5 of 1,613,948 alleles (0.00031%); highest among the groups gnomAD compares: Non-Finnish European, 0.00042%; no homozygotes.

Submission:

GeneDx
Classification: Uncertain significance. Last evaluated: 2024-03-07. Review status: criteria provided, single submitter. Criteria: GeneDx Variant Classification Process June 2021. Collection method: clinical testing. Allele origin: germline. Affected: yes.
Comment: Identified with a missense variant on the same allele (in cis) and another missense variant on the opposite allele (in trans) in a neonate with multiple congenital anomalies in the literature (PMID: 33502061); Not observed at significant frequency in large population cohorts (gnomAD); In silico analysis supports that this missense variant has a deleterious effect on protein structure/function; This variant is associated with the following publications: (PMID: 33502061)

NM_025074.7(FRAS1):c.11839C>T (p.Pro3947Ser)

Gene: FRAS1 (Fraser extracellular matrix complex subunit 1; plus strand). Cytogenetic location: 4q21.21.
Variant type: single nucleotide variant.
Coding change: c.11839C>T on transcript NM_025074.7 (MANE Select); coding-DNA position 11839, C replaced by T.
Protein change: p.Pro3947Ser; replaces proline 3947 with serine.
Molecular consequence: missense variant.
Genome position (GRCh38, 1-based): chr4:78,540,924, C>T. VCF-style: chr4-78540924-C-T. GRCh37 (hg19) VCF-style: chr4-79462078-C-T.
Other names: short protein forms P3947S.
Identifiers: ClinVar variation 3343850 (VCV003343850.1).